The following is an entry in ClinVar:

NM_003247.5(THBS2):c.2212G>A (p.Asp738Asn)

Genes: THBS2 (thrombospondin 2; minus strand), THBS2-AS1 (THBS2 antisense RNA 1; plus strand). Cytogenetic location: 6q27.
Variant type: single nucleotide variant.
Coding change: c.2212G>A on transcript NM_003247.5 (MANE Select); coding-DNA position 2212, G replaced by A.
Protein change: p.Asp738Asn; replaces aspartic acid 738 with asparagine.
Molecular consequence: missense variant. On other transcripts: non-coding transcript variant (2).
Genome position (GRCh38, 1-based): chr6:169,229,619, C>T on the plus strand (G>A on the coding strand, the complement: THBS2 is on the minus strand). VCF-style: chr6-169229619-C-T. GRCh37 (hg19) VCF-style: chr6-169629714-C-T.
Other names: c.2038G>A, p.Asp680Asn (NM_001381939.1); c.1981G>A, p.Asp661Asn (NM_001381942.1); short protein forms D661N, D680N, D738N.
Identifiers: ClinVar variation 4821436 (VCV004821436.4).

ClinVar aggregate classification (germline): Likely benign (1 of 4 stars; one submission).

gnomAD v4.1: 285 of 1,613,974 alleles (0.018%); highest among the groups gnomAD compares: Admixed American, 0.025%; 1 homozygote.

Submission:

CeGaT Center for Human Genetics Tuebingen
Classification: Likely benign. Last evaluated: 2026-02-01. Review status: criteria provided, single submitter. Criteria: CeGaT Center For Human Genetics Tuebingen Variant Classification Criteria Version 2. Collection method: clinical testing. Allele origin: germline. Affected: yes. Observed: 1 variant allele.
Comment: THBS2: BS2